The following is an entry in ClinVar:

ClinVar aggregate classification (germline): Benign/Likely benign. Review status: criteria provided, multiple submitters, no conflicts (2 of 4 stars). 16 submissions from 12 submitters: Benign (7); Likely benign (7). 2 of the submissions do not count toward it. Last evaluated 2026-03-01.

Conditions:
Fetal akinesia, respiratory insufficiency, microcephaly, polymicrogyria, and dysmorphic facies. Identifiers: MedGen C5562015, MONDO:0859204, OMIM 619602.
Developmental and epileptic encephalopathy 98. Identifiers: MedGen C5562017, MONDO:0030472, OMIM 619605.
Familial hemiplegic migraine. Identifiers: MedGen C0338484, MONDO:0000700.
Alternating hemiplegia of childhood 1 (AHC1). Identifiers: Orphanet 2131, MedGen C3549447, MONDO:0007087, OMIM 104290.
Migraine, familial hemiplegic, 2. Identifiers: Orphanet 569, MedGen C1865322, MONDO:0011232, OMIM 602481.

Allele frequency attached by ClinVar (database versions not stated): TOPMed 0.00031; ESP Exome Variant Server 0.00038.
gnomAD v4.1: 644 of 1,614,196 alleles (0.04%); highest among the groups gnomAD compares: Middle Eastern, 0.38%; 2 homozygotes.

Submissions (16):

CeGaT Center for Human Genetics Tuebingen
Classification: Likely benign. Last evaluated: 2026-03-01. Review status: criteria provided, single submitter. Criteria: CeGaT Center For Human Genetics Tuebingen Variant Classification Criteria Version 2. Collection method: clinical testing. Allele origin: germline. Affected: yes. Observed: 10 variant alleles.
Comment: ATP1A2: BP4

Labcorp Genetics (formerly Invitae), Labcorp
Classification: Likely benign for Familial hemiplegic migraine. Last evaluated: 2026-01-28. Review status: criteria provided, single submitter. Criteria: Invitae Variant Classification Sherloc (09022015). Collection method: clinical testing. Allele origin: germline.

Women's Health and Genetics/Laboratory Corporation of America, LabCorp
Classification: Likely benign. Last evaluated: 2025-05-06. Review status: criteria provided, single submitter. Criteria: LabCorp Variant Classification Summary - May 2015. Collection method: clinical testing. Allele origin: germline.

Laboratory of Genetics, Children's Clinical University Hospital Latvia
Classification: Likely benign. Last evaluated: 2025-02-16. Review status: criteria provided, single submitter. Criteria: ACMG Guidelines, 2015. Collection method: clinical testing. Allele origin: germline. Affected: yes.

Blueprint Genetics
Classification: Likely benign. Last evaluated: 2024-11-17. Review status: criteria provided, single submitter. Criteria: ACMG Guidelines, 2015. Collection method: clinical testing. Allele origin: germline.

Genome-Nilou Lab
Classification: Benign for Alternating hemiplegia of childhood 1. Last evaluated: 2021-12-05. Review status: criteria provided, single submitter. Criteria: ACMG Guidelines, 2015. Collection method: clinical testing. Allele origin: germline. Affected: no.

Genome-Nilou Lab
Classification: Benign for Developmental and epileptic encephalopathy 98. Last evaluated: 2021-12-05. Review status: criteria provided, single submitter. Criteria: ACMG Guidelines, 2015. Collection method: clinical testing. Allele origin: germline. Affected: no.

Genome-Nilou Lab
Classification: Benign for Fetal akinesia, respiratory insufficiency, microcephaly, polymicrogyria, and dysmorphic facies. Last evaluated: 2021-12-05. Review status: criteria provided, single submitter. Criteria: ACMG Guidelines, 2015. Collection method: clinical testing. Allele origin: germline. Affected: no.

Genome-Nilou Lab
Classification: Benign for Migraine, familial hemiplegic, 2. Last evaluated: 2021-12-05. Review status: criteria provided, single submitter. Criteria: ACMG Guidelines, 2015. Collection method: clinical testing. Allele origin: germline. Affected: no.

Illumina Laboratory Services, Illumina
Classification: Likely benign for Migraine, familial hemiplegic, 2. Last evaluated: 2018-01-13. Review status: criteria provided, single submitter. Criteria: ICSL Variant Classification Criteria 13 December 2019. Collection method: clinical testing. Allele origin: germline.
Comment: This variant was observed in the ICSL laboratory as part of a predisposition screen in an ostensibly healthy population. It had not been previously curated by ICSL or reported in the Human Gene Mutation Database (HGMD: prior to June 1st, 2018), and was therefore a candidate for classification through an automated scoring system. Utilizing variant allele frequency, disease prevalence and penetrance estimates, and inheritance mode, an automated score was calculated to assess if this variant is too frequent to cause the disease. Based on the score and internal cut-off values, a variant classified as likely benign is not then subjected to further curation. The score for this variant resulted in a classification of likely benign for this disease.

Illumina Laboratory Services, Illumina
Classification: Benign for Alternating hemiplegia of childhood 1. Last evaluated: 2018-01-13. Review status: criteria provided, single submitter. Criteria: ICSL Variant Classification Criteria 13 December 2019. Collection method: clinical testing. Allele origin: germline.
Comment: This variant was observed in the ICSL laboratory as part of a predisposition screen in an ostensibly healthy population. It had not been previously curated by ICSL or reported in the Human Gene Mutation Database (HGMD: prior to June 1st, 2018), and was therefore a candidate for classification through an automated scoring system. Utilizing variant allele frequency, disease prevalence and penetrance estimates, and inheritance mode, an automated score was calculated to assess if this variant is too frequent to cause the disease. Based on the score and internal cut-off values, a variant classified as benign is not then subjected to further curation. The score for this variant resulted in a classification of benign for this disease.

Athena Diagnostics
Classification: Benign. Last evaluated: 2017-11-20. Review status: criteria provided, single submitter. Criteria: Athena Diagnostics Criteria. Collection method: clinical testing. Allele origin: germline.

GeneDx
Classification: Benign. Last evaluated: 2013-10-01. Review status: criteria provided, single submitter. Criteria: GeneDx Variant Classification (06012015). Collection method: clinical testing. Allele origin: germline. Affected: yes.
Comment: This variant is considered likely benign or benign based on one or more of the following criteria: it is a conservative change, it occurs at a poorly conserved position in the protein, it is predicted to be benign by multiple in silico algorithms, and/or has population frequency not consistent with disease.

Breakthrough Genomics
Classification: Likely benign. Review status: criteria provided, single submitter. Criteria: ACMG Guidelines, 2015. Collection method: not provided. Allele origin: germline. Inheritance: Autosomal recessive inheritance. Affected: yes.

Clinical Genetics DNA and cytogenetics Diagnostics Lab, Erasmus MC, Erasmus Medical Center
Classification: Likely benign. Review status: no assertion criteria provided. Collection method: clinical testing. Allele origin: germline. Affected: yes. Study: VKGL Data-share Consensus. Not counted in ClinVar's aggregate classification.

Genome Diagnostics Laboratory, University Medical Center Utrecht
Classification: Likely benign. Review status: no assertion criteria provided. Collection method: clinical testing. Allele origin: germline. Affected: yes. Study: VKGL Data-share Consensus. Not counted in ClinVar's aggregate classification.

NM_000702.4(ATP1A2):c.1652-7C>A

Gene: ATP1A2 (ATPase Na+/K+ transporting subunit alpha 2; plus strand). Cytogenetic location: 1q23.2.
Variant type: single nucleotide variant.
Coding change: c.1652-7C>A on transcript NM_000702.4 (MANE Select); 7 bases into the intron before coding-DNA position 1652, C replaced by A.
Molecular consequence: intron variant.
Genome position (GRCh38, 1-based): chr1:160,130,415, C>A. VCF-style: chr1-160130415-C-A. GRCh37 (hg19) VCF-style: chr1-160100205-C-A.
Identifiers: ClinVar variation 136450 (VCV000136450.45), dbSNP rs200102433, ClinGen allele CA289581.